The following is an entry in ClinVar:

ClinVar aggregate classification (germline): Pathogenic (1 of 4 stars; one submission).

Conditions:
Duchenne muscular dystrophy (DMD). Also called: Duchenne Muscular Dystrophy (DMD); MUSCULAR DYSTROPHY, PSEUDOHYPERTROPHIC PROGRESSIVE, DUCHENNE TYPE. Identifiers: Orphanet 98896, MedGen C0013264, MONDO:0010679, OMIM 310200.

Submission:

Labcorp Genetics (formerly Invitae), Labcorp
Classification: Pathogenic for Duchenne muscular dystrophy. Last evaluated: 2019-10-30. Review status: criteria provided, single submitter. Criteria: Invitae Variant Classification Sherloc (09022015). Collection method: clinical testing. Allele origin: germline.
Comment: This sequence change affects a donor splice site in intron 16 of the DMD gene. It is expected to disrupt RNA splicing and likely results in an absent or disrupted protein product. This variant is not present in population databases (ExAC no frequency). This variant has been reported in an individual affected with Duchenne muscular dystrophy (PMID: 17726484). ClinVar contains an entry for this variant (Variation ID: 526103). Donor and acceptor splice site variants typically lead to a loss of protein function (PMID: 16199547), and loss-of-function variants in DMD are known to be pathogenic (PMID: 16770791, 25007885). For these reasons, this variant has been classified as Pathogenic.

Literature cited by the submitters: PubMed 17726484; PubMed 16199547; PubMed 16770791; PubMed 25007885.

NM_004006.3(DMD):c.1992+1G>T

Gene: DMD (dystrophin; minus strand). Cytogenetic location: Xp21.1.
Variant type: single nucleotide variant.
Coding change: c.1992+1G>T on transcript NM_004006.3 (MANE Select); the canonical splice donor site of the intron after coding-DNA position 1992, G replaced by T.
Molecular consequence: splice donor variant.
Genome position (GRCh38, 1-based): chrX:32,565,701, C>A on the plus strand (G>T on the coding strand, the complement: DMD is on the minus strand). VCF-style: chrX-32565701-C-A. GRCh37 (hg19) VCF-style: chrX-32583818-C-A.
Other names: c.1968+1G>T (NM_000109.4); c.1980+1G>T (NM_004009.3); c.1623+1G>T (NM_004010.3).
Identifiers: ClinVar variation 526103 (VCV000526103.12), dbSNP rs1556802319, ClinGen allele CA412671715.